The following is an entry in ClinVar:

NM_001127198.5(TMC6):c.2074G>A (p.Glu692Lys)

Gene: TMC6 (transmembrane channel like 6; minus strand). Cytogenetic location: 17q25.3.
Variant type: single nucleotide variant.
Coding change: c.2074G>A on transcript NM_001127198.5 (MANE Select); coding-DNA position 2074, G replaced by A.
Protein change: p.Glu692Lys; replaces glutamic acid 692 with lysine.
Molecular consequence: missense variant. On other transcripts: non-coding transcript variant (4).
Genome position (GRCh38, 1-based): chr17:78,117,592, C>T on the plus strand (G>A on the coding strand, the complement: TMC6 is on the minus strand). VCF-style: chr17-78117592-C-T. GRCh37 (hg19) VCF-style: chr17-76113673-C-T.
Other names: c.2074G>A, p.Glu692Lys (NM_001321185.1, NM_001374596.1, NM_001375353.1 and 2 more transcripts); c.1894G>A, p.Glu632Lys (NM_001374593.1, NM_001374594.1); c.2074G>A (NM_007267.6); short protein forms E692K, E632K.
Identifiers: ClinVar variation 1473942 (VCV001473942.8), dbSNP rs753605181, ClinGen allele CA8795439.

ClinVar aggregate classification (germline): Uncertain significance. Review status: criteria provided, multiple submitters, no conflicts (2 of 4 stars). 2 submissions from 2 submitters: Uncertain significance (2). Last evaluated 2022-09-14.

Conditions:
Epidermodysplasia verruciformis. Identifiers: Orphanet 302, MedGen C0014522, MONDO:0009176.
Inborn genetic diseases. Identifiers: MedGen C0950123, MeSH D030342.

Allele frequency attached by ClinVar (database versions not stated): gnomAD exomes 0.00001; gnomAD 0.00002 and 0.00003; TOPMed 0.00002.
gnomAD v4.1: 22 of 1,584,096 alleles (0.0014%); highest among the groups gnomAD compares: South Asian, 0.0034%; no homozygotes.

Submissions (2):

Ambry Genetics
Classification: Uncertain significance for Inborn genetic diseases. Last evaluated: 2022-09-14. Review status: criteria provided, single submitter. Criteria: Ambry Variant Classification Scheme 2023. Collection method: clinical testing. Allele origin: germline.

Labcorp Genetics (formerly Invitae), Labcorp
Classification: Uncertain significance for Epidermodysplasia verruciformis. Last evaluated: 2021-09-24. Review status: criteria provided, single submitter. Criteria: Invitae Variant Classification Sherloc (09022015). Collection method: clinical testing. Allele origin: germline.
Comment: This sequence change replaces glutamic acid with lysine at codon 692 of the TMC6 protein (p.Glu692Lys). The glutamic acid residue is moderately conserved and there is a small physicochemical difference between glutamic acid and lysine. The frequency data for this variant in the population databases is considered unreliable, as metrics indicate poor data quality at this position in the ExAC database. This variant has not been reported in the literature in individuals with TMC6-related conditions. Algorithms developed to predict the effect of missense changes on protein structure and function are either unavailable or do not agree on the potential impact of this missense change (SIFT: "Not Available"; PolyPhen-2: "Benign"; Align-GVGD: "Not Available"). In summary, the available evidence is currently insufficient to determine the role of this variant in disease. Therefore, it has been classified as a Variant of Uncertain Significance.